The following is an entry in ClinVar:

NM_001371395.1(USP53):c.431G>A (p.Cys144Tyr)

Gene: USP53 (ubiquitin specific peptidase 53; plus strand). Cytogenetic location: 4q26.
Variant type: single nucleotide variant.
Coding change: c.431G>A on transcript NM_001371395.1 (MANE Select); coding-DNA position 431, G replaced by A.
Protein change: p.Cys144Tyr; replaces cysteine 144 with tyrosine.
Molecular consequence: missense variant.
Genome position (GRCh38, 1-based): chr4:119,256,304, G>A. VCF-style: chr4-119256304-G-A. GRCh37 (hg19) VCF-style: chr4-120177459-G-A.
Other names: c.431G>A, p.Cys144Tyr (NM_001371396.1, NM_001371397.1, NM_001371398.1 and 6 more transcripts); c.83G>A, p.Cys28Tyr (NM_001389662.1, NM_001389663.1, NM_001389664.1 and 3 more transcripts); short protein forms C144Y, C28Y.
Identifiers: ClinVar variation 3901819 (VCV003901819.1).

ClinVar aggregate classification (germline): Uncertain significance (1 of 4 stars; one submission).

gnomAD v4.1: 8 of 1,614,000 alleles (0.0005%); highest among the groups gnomAD compares: Admixed American, 0.012%; no homozygotes.

Submission:

GeneDx
Classification: Uncertain significance. Last evaluated: 2024-12-03. Review status: criteria provided, single submitter. Criteria: GeneDx Variant Classification Process June 2021. Collection method: clinical testing. Allele origin: germline. Affected: yes.
Comment: In silico analysis supports that this missense variant has a deleterious effect on protein structure/function; Has not been previously published as pathogenic or benign to our knowledge